The following is an entry in ClinVar:

NM_004415.4(DSP):c.8475C>T (p.Ser2825=)

Gene: DSP (desmoplakin; plus strand). Cytogenetic location: 6p24.3.
Variant type: single nucleotide variant.
Coding change: c.8475C>T on transcript NM_004415.4 (MANE Select); coding-DNA position 8475, C replaced by T.
Protein change: p.Ser2825=; no amino-acid change (serine 2825 retained).
Molecular consequence: synonymous variant.
Genome position (GRCh38, 1-based): chr6:7,585,737, C>T. VCF-style: chr6-7585737-C-T. GRCh37 (hg19) VCF-style: chr6-7585970-C-T.
Other names: c.6678C>T, p.Ser2226= (NM_001008844.3); c.7146C>T, p.Ser2382= (NM_001319034.2).
Identifiers: ClinVar variation 4784343 (VCV004784343.3).

ClinVar aggregate classification (germline): Likely benign. Review status: criteria provided, multiple submitters, no conflicts (2 of 4 stars). 2 submissions from 2 submitters: Likely benign (2). Last evaluated 2026-04-01.

Conditions:
Arrhythmogenic cardiomyopathy with wooly hair and keratoderma. Also called: PALMOPLANTAR KERATODERMA WITH LEFT VENTRICULAR CARDIOMYOPATHY AND WOOLLY HAIR; Carvajal syndrome; Dilated cardiomyopathy with woolly hair and keratoderma; Arrhythmogenic cardiomyopathy with woolly hair and keratoderma. Identifiers: Orphanet 65282, MedGen C1854063, MONDO:0011581, OMIM 605676.
Arrhythmogenic right ventricular dysplasia 8 (ARVD8). Also called: Arrhythmogenic Right Ventricular Dysplasia/Cardiomyopathy 8; ARRHYTHMOGENIC RIGHT VENTRICULAR DYSPLASIA, FAMILIAL, 8; ARRHYTHMOGENIC RIGHT VENTRICULAR CARDIOMYOPATHY 8. Identifiers: MedGen C1843896, MONDO:0011831, OMIM 607450.

gnomAD v4.1: 1 of 1,609,814 alleles (0.000062%); no homozygotes.

Submissions (2):

CeGaT Center for Human Genetics Tuebingen
Classification: Likely benign. Last evaluated: 2026-04-01. Review status: criteria provided, single submitter. Criteria: CeGaT Center For Human Genetics Tuebingen Variant Classification Criteria Version 2. Collection method: clinical testing. Allele origin: germline. Affected: yes. Observed: 1 variant allele.
Comment: DSP: BP4, BP7

Labcorp Genetics (formerly Invitae), Labcorp
Classification: Likely benign for Arrhythmogenic cardiomyopathy with wooly hair and keratoderma; Arrhythmogenic right ventricular dysplasia 8. Last evaluated: 2025-03-05. Review status: criteria provided, single submitter. Criteria: Invitae Variant Classification Sherloc (09022015). Collection method: clinical testing. Allele origin: germline.